The following is an entry in ClinVar:

NM_000051.4(ATM):c.7203del (p.Ile2401fs)

Genes: ATM (ATM serine/threonine kinase; plus strand), C11orf65 (chromosome 11 open reading frame 65; minus strand). Cytogenetic location: 11q22.3.
Variant type: Deletion.
Coding change: c.7203del on transcript NM_000051.4 (MANE Select); coding-DNA position 7203, one base deleted (T; older notation c.7203delT).
Protein change: p.Ile2401fs; shifts the reading frame from isoleucine 2401.
Molecular consequence: frameshift variant. On other transcripts: intron variant (2).
Genome position (GRCh38, 1-based): chr11:108,329,134, T deleted; the last of 2 consecutive T bases (chr11:108,329,133-108,329,134); deleting either gives the same sequence. VCF-style (leftmost placement, unchanged base first): chr11-108329132-AT-A. GRCh37 (hg19) VCF-style: chr11-108199859-AT-A.
Other names: c.7203delT, p.Ile2401Metfs (NM_000051.3); c.7203del, p.Ile2401fs (NM_001351834.2); c.641-20062del (NM_001330368.2); c.*38+6087del (NM_001351110.2); short protein forms I2401fs.
Identifiers: ClinVar variation 1433060 (VCV001433060.9), dbSNP rs2136417490, ClinGen allele CA2573146650.

ClinVar aggregate classification (germline): Pathogenic/Likely pathogenic. Review status: criteria provided, multiple submitters, no conflicts (2 of 4 stars). 3 submissions from 3 submitters: Pathogenic (2); Likely pathogenic (1). Last evaluated 2025-12-24.

Conditions:
Ataxia-telangiectasia syndrome (AT). Also called: Ataxia-telangiectasia; LOUIS-BAR SYNDROME; Ataxia-telangiectasia, complementation group D; AT, COMPLEMENTATION GROUP C; ATAXIA-TELANGIECTASIA, COMPLEMENTATION GROUP A; ATAXIA-TELANGIECTASIA, FRESNO VARIANT. Identifiers: Orphanet 100, MedGen C0004135, MONDO:0008840, OMIM 208900.
Familial cancer of breast. Also called: BREAST CANCER, FAMILIAL; Hereditary breast cancer; hereditary breast carcinoma. Identifiers: Orphanet 227535, MedGen C0346153, MONDO:0016419, OMIM 114480. Disease mechanism: loss of function.
Hereditary cancer-predisposing syndrome. Also called: Tumor predisposition; Neoplastic Syndromes, Hereditary; Hereditary Cancer Syndrome; Hereditary neoplastic syndrome. Identifiers: Orphanet 140162, MedGen C0027672, MeSH D009386, MONDO:0015356.

Submissions (3):

Ambry Genetics
Classification: Pathogenic for Hereditary cancer-predisposing syndrome. Last evaluated: 2025-12-24. Review status: criteria provided, single submitter. Criteria: Ambry Variant Classification Scheme 2023. Collection method: clinical testing. Allele origin: germline.
Comment: The c.7203delT pathogenic mutation, located in coding exon 48 of the ATM gene, results from a deletion of one nucleotide at nucleotide position 7203, causing a translational frameshift with a predicted alternate stop codon (p.I2401Mfs*5). This alteration is expected to result in loss of function by premature protein truncation or nonsense-mediated mRNA decay. As such, this alteration is interpreted as a disease-causing mutation.

Fulgent Genetics
Classification: Likely pathogenic for Familial cancer of breast; Ataxia-telangiectasia syndrome. Last evaluated: 2022-04-06. Review status: criteria provided, single submitter. Criteria: ACMG Guidelines, 2015. Collection method: clinical testing. Allele origin: unknown.

Labcorp Genetics (formerly Invitae), Labcorp
Classification: Pathogenic for Ataxia-telangiectasia syndrome. Last evaluated: 2020-11-01. Review status: criteria provided, single submitter. Criteria: Invitae Variant Classification Sherloc (09022015). Collection method: clinical testing. Allele origin: germline.
Comment: This sequence change creates a premature translational stop signal (p.Ile2401Metfs*5) in the ATM gene. It is expected to result in an absent or disrupted protein product. Loss-of-function variants in ATM are known to be pathogenic (PMID: 23807571, 25614872). For these reasons, this variant has been classified as Pathogenic. This variant has not been reported in the literature in individuals with ATM-related conditions. This variant is not present in population databases (ExAC no frequency).

Literature cited by the submitters: PubMed 23807571 (cited by Labcorp Genetics (formerly Invitae), Labcorp); PubMed 25614872 (cited by Labcorp Genetics (formerly Invitae), Labcorp).